The following is an entry in ClinVar:

ClinVar aggregate classification (germline): Likely benign (0 of 4 stars; one submission).

Conditions:
JAG2-related disorder. Also called: JAG2-related condition.

Allele frequency attached by ClinVar (database versions not stated): TOPMed 0.00007; gnomAD 0.00009; gnomAD exomes 0.00013; ExAC 0.00039.
gnomAD v4.1: 194 of 1,604,430 alleles (0.012%); highest among the groups gnomAD compares: South Asian, 0.13%; 3 homozygotes.

Submission:

PreventionGenetics, part of Exact Sciences
Classification: Likely benign for JAG2-related condition. Last evaluated: 2022-02-15. Review status: no assertion criteria provided. Collection method: clinical testing. Allele origin: germline.
Comment: This variant is classified as likely benign based on ACMG/AMP sequence variant interpretation guidelines (Richards et al. 2015 PMID: 25741868, with internal and published modifications).

NM_002226.5(JAG2):c.3050C>T (p.Ala1017Val)

Gene: JAG2 (jagged canonical Notch ligand 2; minus strand). Cytogenetic location: 14q32.33.
Variant type: single nucleotide variant.
Coding change: c.3050C>T on transcript NM_002226.5 (MANE Select); coding-DNA position 3050, C replaced by T.
Protein change: p.Ala1017Val; replaces alanine 1017 with valine.
Molecular consequence: missense variant.
Genome position (GRCh38, 1-based): chr14:105,144,964, G>A on the plus strand (C>T on the coding strand, the complement: JAG2 is on the minus strand). VCF-style: chr14-105144964-G-A. GRCh37 (hg19) VCF-style: chr14-105611301-G-A.
Other names: c.2936C>T, p.Ala979Val (NM_145159.3); short protein forms A1017V, A979V.
Identifiers: ClinVar variation 3047507 (VCV003047507.2), dbSNP rs767092332, ClinGen allele CA7385350.
Genomic context (GRCh38, chr14:105,144,964, plus strand): 5'-GGTGCTGCTCCCCACTGGGCACTCACCACGGCCACCTCCACAGCACTGGCCCCCGAGGAC[G>A]CCCGGTCGCAAAGCAACACCAGCAGGCGGTCCCGTGCCACAGCCCTTGTGGCTGGCAGGG-3'
Protein context (NP_002217.3, residues 1007-1027): DRLLVLLCDR[Ala1017Val]SSGASAVEVA